The following is an entry in ClinVar:

NM_000038.6(APC):c.1024G>A (p.Asp342Asn)

Gene: APC (APC regulator of Wnt signaling pathway; plus strand). Cytogenetic location: 5q22.2.
Variant type: single nucleotide variant.
Coding change: c.1024G>A on transcript NM_000038.6 (MANE Select); coding-DNA position 1024, G replaced by A.
Protein change: p.Asp342Asn; replaces aspartic acid 342 with asparagine.
Molecular consequence: missense variant. On other transcripts: intron variant (4).
Genome position (GRCh38, 1-based): chr5:112,819,056, G>A. VCF-style: chr5-112819056-G-A. GRCh37 (hg19) VCF-style: chr5-112154753-G-A.
Other names: c.1024G>A, p.Asp342Asn (NM_001127510.3, NM_001354895.2, NM_001354896.2 and 4 more transcripts); c.970G>A, p.Asp324Asn (NM_001127511.3); c.1054G>A, p.Asp352Asn (NM_001354897.2, NM_001407446.1); c.949G>A, p.Asp317Asn (NM_001354898.2, NM_001407451.1); c.940G>A, p.Asp314Asn (NM_001354899.2, NM_001407452.1); c.847G>A, p.Asp283Asn (NM_001354900.2, NM_001354901.2, NM_001407453.1); c.175G>A, p.Asp59Asn (NM_001354906.2, NM_001407470.1); c.964-213G>A (NM_001354902.2); and 3 more; short protein forms D283N, D352N, D317N, D342N, D314N, D324N, D59N.
Identifiers: ClinVar variation 1769137 (VCV001769137.2), dbSNP rs1580528424, ClinGen allele CA16023550.
Genomic context (GRCh38, chr5:112,819,056, plus strand): 5'-CTTGGTACTCATGATAAGGATGATATGTCGCGAACTTTGCTAGCTATGTCTAGCTCCCAA[G>A]ACAGCTGTATATCCATGCGACAGTCTGGATGTCTTCCTCTCCTCATCCAGCTTTTACATG-3'
Protein context (NP_000029.2, residues 332-352): RTLLAMSSSQ[Asp342Asn]SCISMRQSGC

ClinVar aggregate classification (germline): Uncertain significance (1 of 4 stars; one submission).

Conditions:
Hereditary cancer-predisposing syndrome. Also called: Hereditary Cancer Syndrome; Hereditary neoplastic syndrome; Neoplastic Syndromes, Hereditary; Tumor predisposition. Identifiers: Orphanet 140162, MedGen C0027672, MeSH D009386, MONDO:0015356.

Submission:

Ambry Genetics
Classification: Uncertain significance for Hereditary cancer-predisposing syndrome. Last evaluated: 2022-02-14. Review status: criteria provided, single submitter. Criteria: Ambry Variant Classification Scheme 2023. Collection method: clinical testing. Allele origin: germline.
Comment: The p.D342N variant (also known as c.1024G>A), located in coding exon 9 of the APC gene, results from a G to A substitution at nucleotide position 1024. The aspartic acid at codon 342 is replaced by asparagine, an amino acid with highly similar properties. This amino acid position is highly conserved in available vertebrate species. In addition, in silico predictors for this gene do not accurately predict pathogenicity. Since supporting evidence is limited at this time, the clinical significance of this alteration remains unclear.